The following is an entry in ClinVar:

ClinVar aggregate classification (germline): Likely pathogenic (1 of 4 stars; one submission).

Conditions:
Periodontitis, aggressive. Identifiers: MedGen C0031106, MONDO:0980757.
Papillon-Lefèvre syndrome (PALS). Also called: KERATOSIS PALMOPLANTARIS WITH PERIODONTOPATHIA; Papillon-Lefevre Disease. Identifiers: Orphanet 678, MedGen C0030360, MONDO:0009490, OMIM 245000.
Haim-Munk syndrome (HMS). Also called: COCHIN JEWISH DISORDER; KERATOSIS PALMOPLANTARIS WITH PERIODONTOPATHIA AND ONYCHOGRYPOSIS. Identifiers: Orphanet 2342, MedGen C1855627, MONDO:0009491, OMIM 245010.

Submission:

Labcorp Genetics (formerly Invitae), Labcorp
Classification: Likely pathogenic for Haim-Munk syndrome; Periodontitis, aggressive; Papillon-Lefèvre syndrome. Last evaluated: 2023-11-04. Review status: criteria provided, single submitter. Criteria: Invitae Variant Classification Sherloc (09022015). Collection method: clinical testing. Allele origin: germline.
Comment: This sequence change affects an acceptor splice site in intron 4 of the CTSC gene. It is expected to disrupt RNA splicing. Variants that disrupt the donor or acceptor splice site typically lead to a loss of protein function (PMID: 16199547), and loss-of-function variants in CTSC are known to be pathogenic (PMID: 10662808, 11106356, 11886537). This variant is not present in population databases (gnomAD no frequency). This variant has not been reported in the literature in individuals affected with CTSC-related conditions. Algorithms developed to predict the effect of sequence changes on RNA splicing suggest that this variant may disrupt the consensus splice site. In summary, the currently available evidence indicates that the variant is pathogenic, but additional data are needed to prove that conclusively. Therefore, this variant has been classified as Likely Pathogenic.

Literature cited by the submitters: PubMed 16199547; PubMed 10662808; PubMed 11106356; PubMed 11886537.

NM_001814.6(CTSC):c.642-2A>G

Gene: CTSC (cathepsin C; minus strand). Cytogenetic location: 11q14.2.
Variant type: single nucleotide variant.
Coding change: c.642-2A>G on transcript NM_001814.6 (MANE Select); the canonical splice acceptor site of the intron before coding-DNA position 642, A replaced by G.
Molecular consequence: splice acceptor variant.
Genome position (GRCh38, 1-based): chr11:88,300,647, T>C on the plus strand (A>G on the coding strand, the complement: CTSC is on the minus strand). VCF-style: chr11-88300647-T-C. GRCh37 (hg19) VCF-style: chr11-88033815-T-C.
Identifiers: ClinVar variation 2944044 (VCV002944044.3), dbSNP rs2496540747, ClinGen allele CA382024007.
Genomic context (GRCh38, chr11:88,300,647, plus strand): 5'-ATGTTGGCAAATGCAAAATCTTTTGCTGTATTTCAGCAGTCAGTGGTGCAGGTTTGGGCC[T>C]AGAAAGGAAATATACATTTGATATCAACATATAATCTTTCCTTTGAGGATGATTTCCTAA-3'